The following is an entry in ClinVar:

ClinVar aggregate classification (germline): Uncertain significance (1 of 4 stars; one submission).

Conditions:
Shprintzen-Goldberg syndrome (SGS). Also called: Marfanoid disorder with craniosynostosis type 1; Marfanoid craniosynostosis syndrome; Shprintzen-Goldberg marfanoid syndrome; SHPRINTZEN-GOLDBERG CRANIOSYNOSTOSIS SYNDROME; CRANIOSYNOSTOSIS WITH ARACHNODACTYLY AND ABDOMINAL HERNIAS. Identifiers: Orphanet 2462, MedGen C1321551, MONDO:0008426, OMIM 182212.

Submission:

Labcorp Genetics (formerly Invitae), Labcorp
Classification: Uncertain significance for Shprintzen-Goldberg syndrome. Last evaluated: 2024-07-23. Review status: criteria provided, single submitter. Criteria: Invitae Variant Classification Sherloc (09022015). Collection method: clinical testing. Allele origin: germline.
Comment: This sequence change replaces leucine, which is neutral and non-polar, with phenylalanine, which is neutral and non-polar, at codon 587 of the SKI protein (p.Leu587Phe). This variant is not present in population databases (gnomAD no frequency). This variant has not been reported in the literature in individuals affected with SKI-related conditions. Advanced modeling of protein sequence and biophysical properties (such as structural, functional, and spatial information, amino acid conservation, physicochemical variation, residue mobility, and thermodynamic stability) has been performed at Invitae for this missense variant, however the output from this modeling did not meet the statistical confidence thresholds required to predict the impact of this variant on SKI protein function. In summary, the available evidence is currently insufficient to determine the role of this variant in disease. Therefore, it has been classified as a Variant of Uncertain Significance.

NM_003036.4(SKI):c.1759C>T (p.Leu587Phe)

Gene: SKI (SKI proto-oncogene; plus strand). Cytogenetic location: 1p36.32.
Variant type: single nucleotide variant.
Coding change: c.1759C>T on transcript NM_003036.4 (MANE Select); coding-DNA position 1759, C replaced by T.
Protein change: p.Leu587Phe; replaces leucine 587 with phenylalanine.
Molecular consequence: missense variant.
Genome position (GRCh38, 1-based): chr1:2,304,577, C>T. VCF-style: chr1-2304577-C-T. GRCh37 (hg19) VCF-style: chr1-2236016-C-T.
Other names: short protein forms L587F.
Identifiers: ClinVar variation 3687076 (VCV003687076.2).